The following is an entry in ClinVar:

ClinVar aggregate classification (germline): Benign/Likely benign. Review status: criteria provided, multiple submitters, no conflicts (2 of 4 stars). 5 submissions from 5 submitters: Benign (1); Likely benign (3). 1 of the submissions does not count toward it. Last evaluated 2026-01-29.

Conditions:
Cardiovascular phenotype. Identifiers: MedGen CN230736.
Becker muscular dystrophy (BMD). Also called: Becker Muscular Dystrophy (BMD); MUSCULAR DYSTROPHY, PSEUDOHYPERTROPHIC PROGRESSIVE, BECKER TYPE. Identifiers: Orphanet 98895, MedGen C0917713, MONDO:0010311, OMIM 300376.
Duchenne muscular dystrophy (DMD). Also called: MUSCULAR DYSTROPHY, PSEUDOHYPERTROPHIC PROGRESSIVE, DUCHENNE TYPE; Duchenne Muscular Dystrophy (DMD). Identifiers: Orphanet 98896, MedGen C0013264, MONDO:0010679, OMIM 310200.
Cardiomyopathy (CMYO). Also called: Cardiomyopathies. Identifiers: Orphanet 167848, MedGen C0878544, MONDO:0004994, HP:0001638. Inheritance: Various modes of inheritance.
Dystrophin deficiency.

Allele frequency attached by ClinVar (database versions not stated): TOPMed 0.00001; ExAC 0.00010; 1000 Genomes Project 30x 0.00021.
gnomAD v4.1: 57 of 1,205,214 alleles (0.0047%); highest among the groups gnomAD compares: East Asian, 0.051%; no homozygotes.

Submissions (5):

Labcorp Genetics (formerly Invitae), Labcorp
Classification: Benign for Duchenne muscular dystrophy. Last evaluated: 2026-01-29. Review status: criteria provided, single submitter. Criteria: Invitae Variant Classification Sherloc (09022015). Collection method: clinical testing. Allele origin: germline.

CeGaT Center for Human Genetics Tuebingen
Classification: Likely benign. Last evaluated: 2026-01-01. Review status: criteria provided, single submitter. Criteria: CeGaT Center For Human Genetics Tuebingen Variant Classification Criteria Version 2. Collection method: clinical testing. Allele origin: germline. Affected: yes. Observed: 3 variant alleles.
Comment: DMD: BP4, BP7, BS2

Molecular Diagnostic Laboratory for Inherited Cardiovascular Disease, Montreal Heart Institute
Classification: Likely benign. Last evaluated: 2025-04-09. Review status: criteria provided, single submitter. Criteria: ACMG Guidelines, 2015. Collection method: clinical testing. Allele origin: germline. Affected: no.
Comment: BS1;BP6;BP7

Ambry Genetics
Classification: Likely benign for Cardiovascular phenotype. Last evaluated: 2021-04-01. Review status: criteria provided, single submitter. Criteria: Ambry Variant Classification Scheme 2023. Collection method: clinical testing. Allele origin: germline.

Natera, Inc.
Classification: Likely benign for Becker muscular dystrophy; Cardiomyopathy; Duchenne muscular dystrophy; Dystrophin deficiency. Last evaluated: 2020-05-13. Review status: no assertion criteria provided. Collection method: clinical testing. Allele origin: germline. Not counted in ClinVar's aggregate classification.

NM_004006.3(DMD):c.3375G>C (p.Ser1125=)

Gene: DMD (dystrophin; minus strand). Cytogenetic location: Xp21.1.
Variant type: single nucleotide variant.
Coding change: c.3375G>C on transcript NM_004006.3 (MANE Select); coding-DNA position 3375, G replaced by C.
Protein change: p.Ser1125=; no amino-acid change (serine 1125 retained).
Molecular consequence: synonymous variant.
Genome position (GRCh38, 1-based): chrX:32,463,496, C>G on the plus strand (G>C on the coding strand, the complement: DMD is on the minus strand). VCF-style: chrX-32463496-C-G. GRCh37 (hg19) VCF-style: chrX-32481613-C-G.
Other names: c.3351G>C, p.Ser1117= (NM_000109.4); c.3363G>C, p.Ser1121= (NM_004009.3); c.3006G>C, p.Ser1002= (NM_004010.3).
Identifiers: ClinVar variation 701280 (VCV000701280.56), dbSNP rs191164314, ClinGen allele CA10379297.
Genomic context (GRCh38, chrX:32,463,496, plus strand): 5'-TACCTGTTGGCACATGTGATCCCACTGAGTGTTAAGTTCTTTGAGTTCTGTCTCAAGTCT[C>G]GAAGCAAACTCTGGCTCTGCTTCATTCTTTATCTTCTGCCCACCTTCATTGACACTGTTT-3'
Protein context (NP_003997.2, residues 1115-1135): IKNEAEPEFA[Ser1125=]RLETELKELN